The following is an entry in ClinVar:

ClinVar aggregate classification (germline): Uncertain significance (1 of 4 stars; one submission).

Allele frequency attached by ClinVar (database versions not stated): TOPMed below 0.00001; ExAC 0.00001; gnomAD exomes 0.00001 and 0.00002.
gnomAD v4.1: 21 of 1,211,601 alleles (0.0017%); highest among the groups gnomAD compares: South Asian, 0.0035%; no homozygotes.

Submission:

Labcorp Genetics (formerly Invitae), Labcorp
Classification: Uncertain significance. Last evaluated: 2022-02-18. Review status: criteria provided, single submitter. Criteria: Invitae Variant Classification Sherloc (09022015). Collection method: clinical testing. Allele origin: germline.
Comment: This variant has not been reported in the literature in individuals affected with DRP2-related conditions. In summary, the available evidence is currently insufficient to determine the role of this variant in disease. Therefore, it has been classified as a Variant of Uncertain Significance. Algorithms developed to predict the effect of missense changes on protein structure and function are either unavailable or do not agree on the potential impact of this missense change (SIFT: "Deleterious"; PolyPhen-2: "Benign"; Align-GVGD: "Class C0"). This variant is present in population databases (rs771476479, gnomAD 0.01%). This sequence change replaces proline, which is neutral and non-polar, with leucine, which is neutral and non-polar, at codon 57 of the DRP2 protein (p.Pro57Leu).

NM_001939.3(DRP2):c.170C>T (p.Pro57Leu)

Gene: DRP2 (dystrophin related protein 2; plus strand). Cytogenetic location: Xq22.1.
Variant type: single nucleotide variant.
Coding change: c.170C>T on transcript NM_001939.3 (MANE Select); coding-DNA position 170, C replaced by T.
Protein change: p.Pro57Leu; replaces proline 57 with leucine.
Molecular consequence: missense variant. On other transcripts: 5 prime UTR variant (1).
Genome position (GRCh38, 1-based): chrX:101,235,912, C>T. VCF-style: chrX-101235912-C-T. GRCh37 (hg19) VCF-style: chrX-100490901-C-T.
Other names: c.-65C>T (NM_001171184.2); short protein forms P57L.
Identifiers: ClinVar variation 1490387 (VCV001490387.8), dbSNP rs771476479, ClinGen allele CA10472019.